The following is an entry in ClinVar:

ClinVar aggregate classification (germline): not provided (0 of 4 stars; one submission).

Conditions:
FG syndrome 1 (OKS). Also called: OPITZ-KAVEGGIA SYNDROME; KELLER SYNDROME; MENTAL RETARDATION, LARGE HEAD, IMPERFORATE ANUS, CONGENITAL HYPOTONIA, AND PARTIAL AGENESIS OF CORPUS CALLOSUM; FG Syndrome Type 1 (FGS1). Identifiers: Orphanet 93932, MedGen C5399762, MONDO:0010590, OMIM 305450.

Submission:

GeneReviews
No classification provided. Condition: FG syndrome. Review status: no classification provided. Collection method: literature only. Allele origin: germline.

Literature cited by the submitters: PubMed 30729724; PubMed 28369444; PubMed 20301719.

NM_005120.3(MED12):c.2692A>G (p.Asn898Asp)

Gene: MED12 (mediator complex subunit 12; plus strand). Cytogenetic location: Xq13.1.
Variant type: single nucleotide variant.
Coding change: c.2692A>G on transcript NM_005120.3 (MANE Select); coding-DNA position 2692, A replaced by G.
Protein change: p.Asn898Asp; replaces asparagine 898 with aspartic acid.
Molecular consequence: missense variant.
Genome position (GRCh38, 1-based): chrX:71,126,975, A>G. VCF-style: chrX-71126975-A-G. GRCh37 (hg19) VCF-style: chrX-70346825-A-G.
Other names: short protein forms N898D.
Identifiers: ClinVar variation 1210237 (VCV001210237.2), dbSNP rs2147797665, ClinGen allele CA413516033.
Genomic context (GRCh38, chrX:71,126,975, plus strand): 5'-TCTATGTAACACAAGGGGCCTCTTTGCATTTCTCACCCCCGTTTACTCTGCTAGCTGCTG[A>G]ATGAACTGAGTGTAGTTGAGGCTGAGCTGCTTCTCAAATCCTCGGATCTGGTGGGCAGCT-3'
Protein context (NP_005111.2, residues 888-908): GLIDFAIQLL[Asn898Asp]ELSVVEAELL